The following is an entry in ClinVar:

NM_001999.4(FBN2):c.5279G>C (p.Arg1760Thr)

Gene: FBN2 (fibrillin 2; minus strand). Cytogenetic location: 5q23.3.
Variant type: single nucleotide variant.
Coding change: c.5279G>C on transcript NM_001999.4 (MANE Select); coding-DNA position 5279, G replaced by C.
Protein change: p.Arg1760Thr; replaces arginine 1760 with threonine.
Molecular consequence: missense variant.
Genome position (GRCh38, 1-based): chr5:128,309,321, C>G on the plus strand (G>C on the coding strand, the complement: FBN2 is on the minus strand). VCF-style: chr5-128309321-C-G. GRCh37 (hg19) VCF-style: chr5-127645013-C-G.
Other names: short protein forms R1760T.
Identifiers: ClinVar variation 1501956 (VCV001501956.10), dbSNP rs748580764, ClinGen allele CA360743902.
Genomic context (GRCh38, chr5:128,309,321, plus strand): 5'-GGGCATGGTTCACAAGGTTTGTTCCAGGCTTTGCCCACATTATATGTGCAGCAGCACATC[C>G]TTTTTGTCACATTGAAAGGCAACTCATTCTCACAAGTGGTTCCATTATAGCTTCGGTAGC-3'
Protein context (NP_001990.2, residues 1750-1770): ENELPFNVTK[Arg1760Thr]MCCCTYNVGK

ClinVar aggregate classification (germline): Uncertain significance (1 of 4 stars; one submission).

Conditions:
Congenital contractural arachnodactyly (CCA). Also called: Beals-Hecht syndrome; BEALS SYNDROME; Arthrogryposis, distal, type 9. Identifiers: Orphanet 115, MedGen C0220668, MONDO:0007363, OMIM 121050.

gnomAD v4.1: 2 of 1,613,972 alleles (0.00012%); highest among the groups gnomAD compares: Non-Finnish European, 0.00017%; no homozygotes.

Submission:

Labcorp Genetics (formerly Invitae), Labcorp
Classification: Uncertain significance for Congenital contractural arachnodactyly. Last evaluated: 2021-03-17. Review status: criteria provided, single submitter. Criteria: Invitae Variant Classification Sherloc (09022015). Collection method: clinical testing. Allele origin: germline.
Comment: This variant has not been reported in the literature in individuals with FBN2-related conditions. In summary, the available evidence is currently insufficient to determine the role of this variant in disease. Therefore, it has been classified as a Variant of Uncertain Significance. Advanced modeling of protein sequence and biophysical properties (such as structural, functional, and spatial information, amino acid conservation, physicochemical variation, residue mobility, and thermodynamic stability) performed at Invitae indicates that this missense variant is not expected to disrupt FBN2 protein function. This variant is not present in population databases (ExAC no frequency). This sequence change replaces arginine with threonine at codon 1760 of the FBN2 protein (p.Arg1760Thr). The arginine residue is highly conserved and there is a moderate physicochemical difference between arginine and threonine.